The following is an entry in ClinVar:

ClinVar aggregate classification (germline): Benign (1 of 4 stars; one submission).

Conditions:
Werner syndrome (WRN). Identifiers: Orphanet 902, MedGen C0043119, MONDO:0010196, OMIM 277700.

Allele frequency attached by ClinVar (database versions not stated): gnomAD exomes 0.00694; 1000 Genomes Project 0.03075; 1000 Genomes Project 30x 0.03248; gnomAD 0.03024 and 0.03268; TOPMed 0.03454.

Submission:

Illumina Laboratory Services, Illumina
Classification: Benign for Werner syndrome. Last evaluated: 2018-01-13. Review status: criteria provided, single submitter. Criteria: ICSL Variant Classification Criteria 13 December 2019. Collection method: clinical testing. Allele origin: germline.
Comment: This variant was observed in the ICSL laboratory as part of a predisposition screen in an ostensibly healthy population. It had not been previously curated by ICSL or reported in the Human Gene Mutation Database (HGMD: prior to June 1st, 2018), and was therefore a candidate for classification through an automated scoring system. Utilizing variant allele frequency, disease prevalence and penetrance estimates, and inheritance mode, an automated score was calculated to assess if this variant is too frequent to cause the disease. Based on the score and internal cut-off values, a variant classified as benign is not then subjected to further curation. The score for this variant resulted in a classification of benign for this disease.

NM_000553.4(WRN):c.-408C>T

Gene: WRN (WRN RecQ like helicase; plus strand). Cytogenetic location: 8p12.
Variant type: single nucleotide variant.
Coding change: c.-408C>T on transcript NM_000553.4; 408 bases upstream of the start codon, C replaced by T.
Genome position (GRCh38, 1-based): chr8:31,033,642, C>T. VCF-style: chr8-31033642-C-T. GRCh37 (hg19) VCF-style: chr8-30891158-C-T.
Identifiers: ClinVar variation 362779 (VCV000362779.7), dbSNP rs11574156, ClinGen allele CA10630862.